The following is an entry in ClinVar:

NM_000256.3(MYBPC3):c.2946del (p.Ile983fs)

Gene: MYBPC3 (myosin binding protein C3; minus strand). Cytogenetic location: 11p11.2.
Variant type: Deletion.
Coding change: c.2946del on transcript NM_000256.3 (MANE Select); coding-DNA position 2946, one base deleted (C; older notation c.2946delC).
Protein change: p.Ile983fs; shifts the reading frame from isoleucine 983.
Molecular consequence: frameshift variant.
Genome position (GRCh38, 1-based): chr11:47,333,970, G deleted on the plus strand (C on the coding strand, the reverse complement: MYBPC3 is on the minus strand); the first of 2 consecutive G bases (chr11:47,333,970-47,333,971); deleting either gives the same sequence. VCF-style (leftmost placement, unchanged base first): chr11-47333969-TG-T. GRCh37 (hg19) VCF-style: chr11-47355520-TG-T.
Other names: c.2946delC (NM_000256.3); short protein forms I983fs.
Identifiers: ClinVar variation 3230882 (VCV003230882.1), dbSNP rs2495742763, ClinGen allele CA2825002004.

ClinVar aggregate classification (germline): Pathogenic (1 of 4 stars; one submission).

Conditions:
Cardiovascular phenotype. Identifiers: MedGen CN230736.

Submission:

Ambry Genetics
Classification: Pathogenic for Cardiovascular phenotype. Last evaluated: 2023-12-13. Review status: criteria provided, single submitter. Criteria: Ambry Variant Classification Scheme 2023. Collection method: clinical testing. Allele origin: germline.
Comment: The c.2946delC pathogenic mutation, located in coding exon 28 of the MYBPC3 gene, results from a deletion of one nucleotide at nucleotide position 2946, causing a translational frameshift with a predicted alternate stop codon (p.I983Ffs*9). This variant is considered to be rare based on population cohorts in the Genome Aggregation Database (gnomAD). This alteration is expected to result in loss of function by premature protein truncation or nonsense-mediated mRNA decay. As such, this alteration is interpreted as a disease-causing mutation.